The following is an entry in ClinVar:

ClinVar aggregate classification (germline): Uncertain significance (1 of 4 stars; one submission).

Conditions:
Charcot-Marie-Tooth disease axonal type 2V. Also called: CHARCOT-MARIE-TOOTH NEUROPATHY, TYPE 2V; CHARCOT-MARIE-TOOTH DISEASE, AXONAL, AUTOSOMAL DOMINANT, TYPE 2V. Identifiers: Orphanet 447964, MedGen C5569050, MONDO:0014665, OMIM 616491.
Mucopolysaccharidosis, MPS-III-B (MPS3B). Also called: N-ACETYL-ALPHA-D-GLUCOSAMINIDASE DEFICIENCY; NAGLU DEFICIENCY; SANFILIPPO SYNDROME B; MPS III B; MUCOPOLYSACCHARIDOSIS, TYPE IIIB; MPS IIIB (Sanfilippo Syndrome Type B). Identifiers: Orphanet 79270, MedGen C0086648, MONDO:0009656, OMIM 252920.

Submission:

Labcorp Genetics (formerly Invitae), Labcorp
Classification: Uncertain significance for Charcot-Marie-Tooth disease axonal type 2V; Mucopolysaccharidosis, MPS-III-B. Last evaluated: 2022-04-07. Review status: criteria provided, single submitter. Criteria: Invitae Variant Classification Sherloc (09022015). Collection method: clinical testing. Allele origin: germline.
Comment: This sequence change replaces phenylalanine, which is neutral and non-polar, with leucine, which is neutral and non-polar, at codon 637 of the NAGLU protein (p.Phe637Leu). This variant is not present in population databases (gnomAD no frequency). This variant has not been reported in the literature in individuals affected with NAGLU-related conditions. Advanced modeling of protein sequence and biophysical properties (such as structural, functional, and spatial information, amino acid conservation, physicochemical variation, residue mobility, and thermodynamic stability) performed at Invitae indicates that this missense variant is not expected to disrupt NAGLU protein function. In summary, the available evidence is currently insufficient to determine the role of this variant in disease. Therefore, it has been classified as a Variant of Uncertain Significance.

NM_000263.4(NAGLU):c.1909T>C (p.Phe637Leu)

Gene: NAGLU (N-acetyl-alpha-glucosaminidase; plus strand). Cytogenetic location: 17q21.2.
Variant type: single nucleotide variant.
Coding change: c.1909T>C on transcript NM_000263.4 (MANE Select); coding-DNA position 1909, T replaced by C.
Protein change: p.Phe637Leu; replaces phenylalanine 637 with leucine.
Molecular consequence: missense variant.
Genome position (GRCh38, 1-based): chr17:42,543,915, T>C. VCF-style: chr17-42543915-T-C. GRCh37 (hg19) VCF-style: chr17-40695933-T-C.
Other names: short protein forms F637L.
Identifiers: ClinVar variation 2122813 (VCV002122813.4), dbSNP rs2510660618, ClinGen allele CA399605441.
Genomic context (GRCh38, chr17:42,543,915, plus strand): 5'-TTGCTGGGCAGCTGGCTAGAGCAGGCCCGAGCAGCGGCAGTCAGTGAGGCCGAGGCCGAT[T>C]TCTACGAGCAGAACAGCCGCTACCAGCTGACCTTGTGGGGGCCAGAAGGCAACATCCTGG-3'
Protein context (NP_000254.2, residues 627-647): AAAVSEAEAD[Phe637Leu]YEQNSRYQLT